The following is an entry in ClinVar:

NM_003783.3(B3GALT2):c.150A>G (p.Pro50=)

Genes: B3GALT2 (beta-1,3-galactosyltransferase 2; minus strand), CDC73 (cell division cycle 73; plus strand). Cytogenetic location: 1q31.2.
Variant type: single nucleotide variant.
Coding change: c.150A>G on transcript NM_003783.3 (MANE Select); coding-DNA position 150, A replaced by G.
Protein change: p.Pro50=; no amino-acid change (proline 50 retained).
Molecular consequence: synonymous variant. On other transcripts: intron variant (1).
Genome position (GRCh38, 1-based): chr1:193,181,413, T>C on the plus strand (A>G on the coding strand, the complement: B3GALT2 is on the minus strand). VCF-style: chr1-193181413-T-C. GRCh37 (hg19) VCF-style: chr1-193150543-T-C.
Other names: c.973-22382T>C (NM_024529.5).
Identifiers: ClinVar variation 4085053 (VCV004085053.8).
Genomic context (GRCh38, chr1:193,181,413, plus strand): 5'-TGTTGACCGAAATCCTCGGAAAGTGTATGTCACAGGGTTTTCTTTGAATCCAGCTCTGCC[T>C]GGCAGCCAGTCATGATGATTGAAAAACAAAAACATAGCAAAAAGAAACACTAGAGAAAGT-3'
Protein context (NP_003774.1, residues 40-60): FLFFNHHDWL[Pro50=]GRAGFKENPV

ClinVar aggregate classification (germline): Likely benign (1 of 4 stars; one submission).

gnomAD v4.1: 23 of 1,613,928 alleles (0.0014%); highest among the groups gnomAD compares: African/African-American, 0.028%; no homozygotes.

Submission:

CeGaT Center for Human Genetics Tuebingen
Classification: Likely benign. Last evaluated: 2025-08-01. Review status: criteria provided, single submitter. Criteria: CeGaT Center For Human Genetics Tuebingen Variant Classification Criteria Version 2. Collection method: clinical testing. Allele origin: germline. Affected: yes. Observed: 1 variant allele.
Comment: B3GALT2: BP4, BP7